The following is an entry in ClinVar:

NM_015267.4(CUX2):c.193G>C (p.Ala65Pro)

Gene: CUX2 (cut like homeobox 2; plus strand). Cytogenetic location: 12q24.11.
Variant type: single nucleotide variant.
Coding change: c.193G>C on transcript NM_015267.4 (MANE Select); coding-DNA position 193, G replaced by C.
Protein change: p.Ala65Pro; replaces alanine 65 with proline.
Molecular consequence: missense variant.
Genome position (GRCh38, 1-based): chr12:111,217,908, G>C. VCF-style: chr12-111217908-G-C. GRCh37 (hg19) VCF-style: chr12-111655712-G-C.
Other names: c.7G>C, p.Ala3Pro (NM_001370598.1); short protein forms A3P, A65P.
Identifiers: ClinVar variation 2672521 (VCV002672521.23), dbSNP rs2499940480, ClinGen allele CA386919705.

ClinVar aggregate classification (germline): Uncertain significance (1 of 4 stars; one submission).

Submission:

CeGaT Center for Human Genetics Tuebingen
Classification: Uncertain significance. Last evaluated: 2023-11-01. Review status: criteria provided, single submitter. Criteria: CeGaT Center For Human Genetics Tuebingen Variant Classification Criteria Version 2. Collection method: clinical testing. Allele origin: germline. Affected: yes. Observed: 1 variant allele.
Comment: CUX2: PM2